The following is an entry in ClinVar:

ClinVar aggregate classification (germline): Benign/Likely benign. Review status: criteria provided, multiple submitters, no conflicts (2 of 4 stars). 3 submissions from 3 submitters: Benign (1); Likely benign (2). Last evaluated 2019-02-04.

Conditions:
Treacher Collins syndrome 3 (TCS3). Also called: POLR1C-Related Treacher Collins Syndrome. Identifiers: Orphanet 861, MedGen C1855433, MONDO:0009558, OMIM 248390.

Allele frequency attached by ClinVar (database versions not stated): gnomAD exomes 0.00127 and 0.00339; ExAC 0.00409; gnomAD 0.01259 and 0.01357; TOPMed 0.01482; ESP Exome Variant Server 0.01561; 1000 Genomes Project 0.01617; 1000 Genomes Project 30x 0.01640.
gnomAD v4.1: 3,845 of 1,613,884 alleles (0.24%); highest among the groups gnomAD compares: African/African-American, 4.6%; 85 homozygotes.

Submissions (3):

GeneDx
Classification: Likely benign. Last evaluated: 2019-02-04. Review status: criteria provided, single submitter. Criteria: GeneDx Variant Classification Process June 2021. Collection method: clinical testing. Allele origin: germline. Affected: yes.

Illumina Laboratory Services, Illumina
Classification: Benign for Treacher Collins syndrome 3. Last evaluated: 2017-04-28. Review status: criteria provided, single submitter. Criteria: ICSL Variant Classification Criteria 13 December 2019. Collection method: clinical testing. Allele origin: germline.
Comment: This variant was observed as part of a predisposition screen in an ostensibly healthy population. A literature search was performed for the gene, cDNA change, and amino acid change (where applicable). Publications were found based on this search. The evidence from the literature, in combination with allele frequency data from public databases where available, was sufficient to rule this variant out of causing disease. Therefore, this variant is classified as benign.

Breakthrough Genomics
Classification: Likely benign. Review status: criteria provided, single submitter. Criteria: ACMG Guidelines, 2015. Collection method: not provided. Allele origin: germline. Inheritance: Autosomal recessive inheritance. Affected: yes.

Literature cited by the submitters: PubMed 24942156 (cited by Illumina Laboratory Services, Illumina).

NM_203290.4(POLR1C):c.-15G>A

Genes: POLR1C (RNA polymerase I and III subunit C; plus strand), LOC129996517 (ATAC-STARR-seq lymphoblastoid active region 24602; plus strand). Cytogenetic location: 6p21.1.
Variant type: single nucleotide variant.
Coding change: c.-15G>A on transcript NM_203290.4 (MANE Select); 15 bases upstream of the start codon, G replaced by A.
Molecular consequence: 5 prime UTR variant.
Genome position (GRCh38, 1-based): chr6:43,517,095, G>A. VCF-style: chr6-43517095-G-A. GRCh37 (hg19) VCF-style: chr6-43484833-G-A.
Other names: c.-15G>A (NM_001363658.2, NM_001318876.2).
Identifiers: ClinVar variation 909505 (VCV000909505.8), dbSNP rs2231757, ClinGen allele CA3825254.